The following is an entry in ClinVar:

ClinVar aggregate classification (germline): Uncertain significance (1 of 4 stars; one submission).

Allele frequency attached by ClinVar (database versions not stated): gnomAD exomes 0.00001 and 0.00003.
gnomAD v4.1: 4 of 1,551,574 alleles (0.00026%); highest among the groups gnomAD compares: Admixed American, 0.0078%; no homozygotes.

Submission:

Labcorp Genetics (formerly Invitae), Labcorp
Classification: Uncertain significance. Last evaluated: 2024-07-15. Review status: criteria provided, single submitter. Criteria: Invitae Variant Classification Sherloc (09022015). Collection method: clinical testing. Allele origin: germline.
Comment: This sequence change replaces glutamic acid with lysine at codon 2527 of the UNC80 protein (p.Glu2527Lys). The glutamic acid residue is moderately conserved and there is a small physicochemical difference between glutamic acid and lysine. This variant is present in population databases (no rsID available, gnomAD 0.02%). This variant has not been reported in the literature in individuals affected with UNC80-related conditions. ClinVar contains an entry for this variant (Variation ID: 1371615). Advanced modeling of protein sequence and biophysical properties (such as structural, functional, and spatial information, amino acid conservation, physicochemical variation, residue mobility, and thermodynamic stability) performed at Invitae indicates that this missense variant is not expected to disrupt UNC80 protein function with a negative predictive value of 80%. In summary, the available evidence is currently insufficient to determine the role of this variant in disease. Therefore, it has been classified as a Variant of Uncertain Significance.

NM_001371986.1(UNC80):c.7777G>A (p.Glu2593Lys)

Gene: UNC80 (unc-80 homolog, NALCN channel complex subunit; plus strand). Cytogenetic location: 2q34.
Variant type: single nucleotide variant.
Coding change: c.7777G>A on transcript NM_001371986.1 (MANE Select); coding-DNA position 7777, G replaced by A.
Protein change: p.Glu2593Lys; replaces glutamic acid 2593 with lysine.
Molecular consequence: missense variant.
Genome position (GRCh38, 1-based): chr2:209,959,679, G>A. VCF-style: chr2-209959679-G-A. GRCh37 (hg19) VCF-style: chr2-210824403-G-A.
Other names: c.7579G>A, p.Glu2527Lys (NM_032504.2); c.7564G>A, p.Glu2522Lys (NM_182587.4); short protein forms E2522K, E2593K, E2527K.
Identifiers: ClinVar variation 1371615 (VCV001371615.4), dbSNP rs1329270840, ClinGen allele CA350777017.